The following is an entry in ClinVar:

NM_000930.5(PLAT):c.614C>A (p.Thr205Asn)

Gene: PLAT (plasminogen activator, tissue type; minus strand). Cytogenetic location: 8p11.21.
Variant type: single nucleotide variant.
Coding change: c.614C>A on transcript NM_000930.5 (MANE Select); coding-DNA position 614, C replaced by A.
Protein change: p.Thr205Asn; replaces threonine 205 with asparagine.
Molecular consequence: missense variant. On other transcripts: intron variant (1).
Genome position (GRCh38, 1-based): chr8:42,185,098, G>T on the plus strand (C>A on the coding strand, the complement: PLAT is on the minus strand). VCF-style: chr8-42185098-G-T. GRCh37 (hg19) VCF-style: chr8-42042616-G-T.
Other names: c.476C>A, p.Thr159Asn (NM_033011.4); c.365-2208C>A (NM_001319189.2); short protein forms T159N, T205N.
Identifiers: ClinVar variation 740190 (VCV000740190.11), dbSNP rs556443869, ClinGen allele CA4731303.

ClinVar aggregate classification (germline): Likely benign. Review status: criteria provided, multiple submitters, no conflicts (2 of 4 stars). 2 submissions from 2 submitters: Likely benign (2). Last evaluated 2025-04-01.

Allele frequency attached by ClinVar (database versions not stated): gnomAD below 0.00001 and 0.00023; TOPMed 0.00003; gnomAD exomes 0.00034 and 0.00079; ExAC 0.00096; 1000 Genomes Project 30x 0.00187; 1000 Genomes Project 0.00220.
gnomAD v4.1: 526 of 1,609,250 alleles (0.033%); highest among the groups gnomAD compares: South Asian, 0.55%; 5 homozygotes.

Submissions (2):

CeGaT Center for Human Genetics Tuebingen
Classification: Likely benign. Last evaluated: 2025-04-01. Review status: criteria provided, single submitter. Criteria: CeGaT Center For Human Genetics Tuebingen Variant Classification Criteria Version 2. Collection method: clinical testing. Allele origin: germline. Affected: yes. Observed: 1 variant allele.
Comment: PLAT: BP4

Labcorp Genetics (formerly Invitae), Labcorp
Classification: Likely benign. Last evaluated: 2019-12-31. Review status: criteria provided, single submitter. Criteria: Invitae Variant Classification Sherloc (09022015). Collection method: clinical testing. Allele origin: germline.